The following is an entry in ClinVar:

NM_152564.5(VPS13B):c.2750_2751del (p.Glu917fs)

Gene: VPS13B (vacuolar protein sorting 13 homolog B; plus strand). Cytogenetic location: 8q22.2.
Variant type: Microsatellite.
Coding change: c.2750_2751del on transcript NM_152564.5 (MANE Select); coding-DNA positions 2750 to 2751, 2 bases deleted (AG; older notation c.2750_2751delAG).
Protein change: p.Glu917fs; shifts the reading frame from glutamic acid 917.
Molecular consequence: frameshift variant.
Genome position (GRCh38, 1-based): chr8:99,275,180-99,275,181, AG deleted; deleting any 2 consecutive bases within chr8:99,275,178-99,275,181 gives the same sequence; the c. name uses the placement nearest the transcript's 3' end. VCF-style (leftmost placement, unchanged base first): chr8-99275177-CAG-C. GRCh37 (hg19) VCF-style: chr8-100287405-CAG-C.
Other names: c.2750_2751del, p.Glu917fs (NM_017890.5); short protein forms E917fs.
Identifiers: ClinVar variation 2800798 (VCV002800798.3), dbSNP rs2489226781, ClinGen allele CA2739268878.

ClinVar aggregate classification (germline): Pathogenic (1 of 4 stars; one submission).

Conditions:
Cohen syndrome (COH1). Also called: PEPPER SYNDROME; Cutis verticis gyrata, retinitis pigmentosa, and sensorineural deafness. Identifiers: Orphanet 193, MedGen C0265223, MONDO:0008999, OMIM 216550.

Submission:

Labcorp Genetics (formerly Invitae), Labcorp
Classification: Pathogenic for Cohen syndrome. Last evaluated: 2022-11-23. Review status: criteria provided, single submitter. Criteria: Invitae Variant Classification Sherloc (09022015). Collection method: clinical testing. Allele origin: germline.
Comment: For these reasons, this variant has been classified as Pathogenic. This variant has not been reported in the literature in individuals affected with VPS13B-related conditions. This variant is not present in population databases (gnomAD no frequency). This sequence change creates a premature translational stop signal (p.Glu917Valfs*19) in the VPS13B gene. It is expected to result in an absent or disrupted protein product. Loss-of-function variants in VPS13B are known to be pathogenic (PMID: 15141358, 16648375, 20461111).

Literature cited by the submitters: PubMed 15141358; PubMed 16648375; PubMed 20461111.